The following is an entry in ClinVar:

ClinVar aggregate classification (germline): Uncertain significance (1 of 4 stars; one submission).

Conditions:
Glycogen storage disease IXb (GSD9B). Also called: GLYCOGENOSIS OF LIVER AND MUSCLE, AUTOSOMAL RECESSIVE; GSD IXb; PHOSPHORYLASE KINASE DEFICIENCY OF LIVER AND MUSCLE, AUTOSOMAL RECESSIVE. Identifiers: Orphanet 79240, MedGen C0543514, MONDO:0009868, OMIM 261750.

Allele frequency attached by ClinVar (database versions not stated): TOPMed below 0.00001; ExAC 0.00001.
gnomAD v4.1: 1 of 1,612,366 alleles (0.000062%); highest among the groups gnomAD compares: Non-Finnish European, 0.000085%; no homozygotes.

Submission:

Labcorp Genetics (formerly Invitae), Labcorp
Classification: Uncertain significance for Glycogen storage disease IXb. Last evaluated: 2022-04-15. Review status: criteria provided, single submitter. Criteria: Invitae Variant Classification Sherloc (09022015). Collection method: clinical testing. Allele origin: germline.
Comment: In summary, the available evidence is currently insufficient to determine the role of this variant in disease. Therefore, it has been classified as a Variant of Uncertain Significance. Algorithms developed to predict the effect of missense changes on protein structure and function output the following: SIFT: "Tolerated"; PolyPhen-2: "Benign"; Align-GVGD: "Class C0". The threonine amino acid residue is found in multiple mammalian species, which suggests that this missense change does not adversely affect protein function. This variant has not been reported in the literature in individuals affected with PHKB-related conditions. This variant is present in population databases (rs777073299, gnomAD 0.0009%). This sequence change replaces asparagine, which is neutral and polar, with threonine, which is neutral and polar, at codon 754 of the PHKB protein (p.Asn754Thr).

NM_000293.3(PHKB):c.2261A>C (p.Asn754Thr)

Gene: PHKB (phosphorylase kinase regulatory subunit beta; plus strand). Cytogenetic location: 16q12.1.
Variant type: single nucleotide variant.
Coding change: c.2261A>C on transcript NM_000293.3 (MANE Select); coding-DNA position 2261, A replaced by C.
Protein change: p.Asn754Thr; replaces asparagine 754 with threonine.
Molecular consequence: missense variant.
Genome position (GRCh38, 1-based): chr16:47,661,783, A>C. VCF-style: chr16-47661783-A-C. GRCh37 (hg19) VCF-style: chr16-47695694-A-C.
Other names: c.2240A>C, p.Asn747Thr (NM_001031835.3); c.2261A>C, p.Asn754Thr (NM_001363837.1); short protein forms N747T, N754T.
Identifiers: ClinVar variation 2118990 (VCV002118990.4), dbSNP rs777073299, ClinGen allele CA8041120.